The following is an entry in ClinVar:

NM_004006.3(DMD):c.10683G>T (p.Glu3561Asp)

Gene: DMD (dystrophin; minus strand). Cytogenetic location: Xp21.2.
Variant type: single nucleotide variant.
Coding change: c.10683G>T on transcript NM_004006.3 (MANE Select); coding-DNA position 10683, G replaced by T.
Protein change: p.Glu3561Asp; replaces glutamic acid 3561 with aspartic acid.
Molecular consequence: missense variant.
Genome position (GRCh38, 1-based): chrX:31,147,389, C>A on the plus strand (G>T on the coding strand, the complement: DMD is on the minus strand). VCF-style: chrX-31147389-C-A. GRCh37 (hg19) VCF-style: chrX-31165506-C-A.
Other names: c.10659G>T, p.Glu3553Asp (NM_000109.4); c.10671G>T, p.Glu3557Asp (NM_004009.3); c.10314G>T, p.Glu3438Asp (NM_004010.3); c.6660G>T, p.Glu2220Asp (NM_004011.4); c.6651G>T, p.Glu2217Asp (NM_004012.4); c.3303G>T, p.Glu1101Asp (NM_004013.3, NM_004021.3); c.2496G>T, p.Glu832Asp (NM_004014.3); c.1479G>T, p.Glu493Asp (NM_004015.3, NM_004016.3); and 4 more; short protein forms E493D, E832D, E3438D, E3561D, E991D, E2217D, E480D, E1088D.
Identifiers: ClinVar variation 1498921 (VCV001498921.10), dbSNP rs374369906, ClinGen allele CA10377547.
Genomic context (GRCh38, chrX:31,147,389, plus strand): 5'-GTCTTCCAGGATTTGCATCCTGGCTTCCAGGCGGCCTTTGTGTTGACGCAGTAGCTTGGC[C>A]TCAGCAATGAGCTCAGCATCCCGGGGACTCTGGGGAGAGGTGGGCATCATTTCAGGAGGG-3'
Protein context (NP_003997.2, residues 3551-3571): QSPRDAELIA[Glu3561Asp]AKLLRQHKGR

ClinVar aggregate classification (germline): Uncertain significance. Review status: criteria provided, multiple submitters, no conflicts (2 of 4 stars). 2 submissions from 2 submitters: Uncertain significance (2). Last evaluated 2025-04-27.

Conditions:
Duchenne muscular dystrophy (DMD). Also called: Duchenne Muscular Dystrophy (DMD); MUSCULAR DYSTROPHY, PSEUDOHYPERTROPHIC PROGRESSIVE, DUCHENNE TYPE. Identifiers: Orphanet 98896, MedGen C0013264, MONDO:0010679, OMIM 310200.

Allele frequency attached by ClinVar (database versions not stated): gnomAD exomes 0.00001; gnomAD 0.00002; ESP Exome Variant Server 0.00009; ExAC 0.00001.
gnomAD v4.1: 2 of 1,207,421 alleles (0.00017%); highest among the groups gnomAD compares: African/African-American, 0.0035%; no homozygotes.

Submissions (2):

Labcorp Genetics (formerly Invitae), Labcorp
Classification: Uncertain significance for Duchenne muscular dystrophy. Last evaluated: 2025-04-27. Review status: criteria provided, single submitter. Criteria: Invitae Variant Classification Sherloc (09022015). Collection method: clinical testing. Allele origin: germline.
Comment: This sequence change replaces glutamic acid, which is acidic and polar, with aspartic acid, which is acidic and polar, at codon 3561 of the DMD protein (p.Glu3561Asp). This variant is present in population databases (rs374369906, gnomAD 0.01%). This variant has not been reported in the literature in individuals affected with DMD-related conditions. ClinVar contains an entry for this variant (Variation ID: 1498921). Invitae Evidence Modeling of protein sequence and biophysical properties (such as structural, functional, and spatial information, amino acid conservation, physicochemical variation, residue mobility, and thermodynamic stability) indicates that this missense variant is not expected to disrupt DMD protein function with a negative predictive value of 95%. In summary, the available evidence is currently insufficient to determine the role of this variant in disease. Therefore, it has been classified as a Variant of Uncertain Significance.

Revvity Omics, Revvity
Classification: Uncertain significance. Last evaluated: 2022-03-31. Review status: criteria provided, single submitter. Criteria: ACMG Guidelines, 2015. Collection method: clinical testing. Allele origin: germline.